The following is an entry in ClinVar:

NM_001004334.4(GPR179):c.3475G>A (p.Ala1159Thr)

Gene: GPR179 (G protein-coupled receptor 179; minus strand). Cytogenetic location: 17q12.
Variant type: single nucleotide variant.
Coding change: c.3475G>A on transcript NM_001004334.4 (MANE Select); coding-DNA position 3475, G replaced by A.
Protein change: p.Ala1159Thr; replaces alanine 1159 with threonine.
Molecular consequence: missense variant.
Genome position (GRCh38, 1-based): chr17:38,330,094, C>T on the plus strand (G>A on the coding strand, the complement: GPR179 is on the minus strand). VCF-style: chr17-38330094-C-T. GRCh37 (hg19) VCF-style: chr17-36485977-C-T.
Other names: short protein forms A1159T.
Identifiers: ClinVar variation 1524778 (VCV001524778.8), dbSNP rs1248502625, ClinGen allele CA398879659.

ClinVar aggregate classification (germline): Uncertain significance (1 of 4 stars; one submission).

Allele frequency attached by ClinVar (database versions not stated): gnomAD 0.00001; gnomAD exomes 0.00001.

Submission:

Labcorp Genetics (formerly Invitae), Labcorp
Classification: Uncertain significance. Last evaluated: 2022-07-05. Review status: criteria provided, single submitter. Criteria: Invitae Variant Classification Sherloc (09022015). Collection method: clinical testing. Allele origin: germline.
Comment: In summary, the available evidence is currently insufficient to determine the role of this variant in disease. Therefore, it has been classified as a Variant of Uncertain Significance. Algorithms developed to predict the effect of missense changes on protein structure and function output the following: SIFT: "Tolerated"; PolyPhen-2: "Benign"; Align-GVGD: "Class C0". The threonine amino acid residue is found in multiple mammalian species, which suggests that this missense change does not adversely affect protein function. ClinVar contains an entry for this variant (Variation ID: 1524778). This variant has not been reported in the literature in individuals affected with GPR179-related conditions. This variant is present in population databases (no rsID available, gnomAD 0.004%). This sequence change replaces alanine, which is neutral and non-polar, with threonine, which is neutral and polar, at codon 1159 of the GPR179 protein (p.Ala1159Thr).